The following is an entry in ClinVar:

NM_000093.5(COL5A1):c.1291G>A (p.Gly431Arg)

Gene: COL5A1 (collagen type V alpha 1 chain; plus strand). Cytogenetic location: 9q34.3.
Variant type: single nucleotide variant.
Coding change: c.1291G>A on transcript NM_000093.5 (MANE Select); coding-DNA position 1291, G replaced by A.
Protein change: p.Gly431Arg; replaces glycine 431 with arginine.
Molecular consequence: missense variant.
Genome position (GRCh38, 1-based): chr9:134,731,622, G>A. VCF-style: chr9-134731622-G-A. GRCh37 (hg19) VCF-style: chr9-137623468-G-A.
Other names: c.1291G>A, p.Gly431Arg (NM_001278074.1); c.1291G>A (NM_000093.3); short protein forms G431R.
Identifiers: ClinVar variation 459654 (VCV000459654.17), dbSNP rs962170388, ClinGen allele CA201108876.

ClinVar aggregate classification (germline): Conflicting classifications of pathogenicity. Review status: criteria provided, conflicting classifications (1 of 4 stars). 6 submissions from 6 submitters: Uncertain significance (5); Benign (1). Last evaluated 2025-12-13.

Conditions:
Ehlers-Danlos syndrome, classic type, 1 (EDSCL1). Also called: EDS I; EHLERS-DANLOS SYNDROME, GRAVIS TYPE; EHLERS-DANLOS SYNDROME, SEVERE CLASSIC TYPE; Ehlers-Danlos syndrome, type 1; Ehlers-Danlos Syndrome, Classic Type, COL5A1-Related. Identifiers: MedGen C0268335, MONDO:0019567, OMIM 130000.
COL5A1-related disorder. Also called: COL5A1-related condition.
Ehlers-Danlos syndrome, classic type (cEDS). Identifiers: Orphanet 287, MedGen C4225429, MONDO:0007522.
Familial thoracic aortic aneurysm and aortic dissection (TAAD). Also called: Thoracic aortic aneurysms and dissections. Identifiers: Orphanet 91387, MedGen C4707243, MONDO:0019625.

Allele frequency attached by ClinVar (database versions not stated): gnomAD exomes 0.00002 and 0.00003; TOPMed 0.00003.
gnomAD v4.1: 45 of 1,614,058 alleles (0.0028%); highest among the groups gnomAD compares: Middle Eastern, 0.017%; no homozygotes.

Submissions (6):

Labcorp Genetics (formerly Invitae), Labcorp
Classification: Benign for Ehlers-Danlos syndrome, classic type, 1. Last evaluated: 2025-12-13. Review status: criteria provided, single submitter. Criteria: Invitae Variant Classification Sherloc (09022015). Collection method: clinical testing. Allele origin: germline.

PreventionGenetics, part of Exact Sciences
Classification: Uncertain significance for COL5A1-related condition. Last evaluated: 2024-10-18. Review status: criteria provided, single submitter. Criteria: ACMG Guidelines, 2015. Collection method: clinical testing. Allele origin: germline.
Comment: The COL5A1 c.1291G>A variant is predicted to result in the amino acid substitution p.Gly431Arg. This variant has been observed in a cohort of individuals with fibromuscular dysplasia (FMD) (Georges and Bouatia-Naji. 2022. PubMed ID: 36043395). This variant is reported in 0.016% of alleles in individuals of East Asian descent in gnomAD. At this time, the clinical significance of this variant is uncertain due to the absence of conclusive functional and genetic evidence.

Ambry Genetics
Classification: Uncertain significance for Familial thoracic aortic aneurysm and aortic dissection. Last evaluated: 2024-09-13. Review status: criteria provided, single submitter. Criteria: Ambry Variant Classification Scheme 2023. Collection method: clinical testing. Allele origin: germline.
Comment: The p.G431R variant (also known as c.1291G>A), located in coding exon 8 of the COL5A1 gene, results from a G to A substitution at nucleotide position 1291. The glycine at codon 431 is replaced by arginine, an amino acid with dissimilar properties. This variant has been reported in a coronary artery dissection cohort and in a high myopia cohort (Zekavat SM et al. JAMA Cardiol, 2022 Apr;7:396-406; Liu Y et al. Sci Rep, 2023 Oct;13:18347). This amino acid position is highly conserved in available vertebrate species. In addition, the in silico prediction for this alteration is inconclusive. Based on the available evidence, the clinical significance of this variant remains unclear.

GeneDx
Classification: Uncertain significance. Last evaluated: 2021-07-22. Review status: criteria provided, single submitter. Criteria: GeneDx Variant Classification Process June 2021. Collection method: clinical testing. Allele origin: germline. Affected: yes.
Comment: Has not been previously published as pathogenic or benign to our knowledge; Not observed at significant frequency in large population cohorts (Lek et al., 2016); In silico analysis supports that this missense variant has a deleterious effect on protein structure/function; Not located in the triple helical region, where the majority of pathogenic missense variants occur (Symoens et al., 2012; Stenson et al., 2014); Reported in ClinVar as a variant of uncertain significance (ClinVar Variant ID# 459654; Landrum et al., 2016)

Fulgent Genetics
Classification: Uncertain significance for Ehlers-Danlos syndrome, classic type, 1. Last evaluated: 2018-10-31. Review status: criteria provided, single submitter. Criteria: ACMG Guidelines, 2015. Collection method: clinical testing. Allele origin: unknown.

Breakthrough Genomics
Classification: Uncertain significance. Review status: criteria provided, single submitter. Criteria: ACMG Guidelines, 2015. Collection method: not provided. Allele origin: germline. Inheritance: Autosomal dominant inheritance. Affected: yes.

Literature cited by the submitters: PubMed 35234813 (cited by Ambry Genetics); PubMed 37884635 (cited by Ambry Genetics).